The following is an entry in ClinVar:

ClinVar aggregate classification (germline): Uncertain significance (1 of 4 stars; one submission).

Allele frequency attached by ClinVar (database versions not stated): ExAC 0.00001; gnomAD exomes 0.00001; gnomAD 0.00003; TOPMed 0.00005.

Submission:

Labcorp Genetics (formerly Invitae), Labcorp
Classification: Uncertain significance. Last evaluated: 2024-05-07. Review status: criteria provided, single submitter. Criteria: Invitae Variant Classification Sherloc (09022015). Collection method: clinical testing. Allele origin: germline.
Comment: This sequence change replaces arginine, which is basic and polar, with cysteine, which is neutral and slightly polar, at codon 21 of the AMER1 protein (p.Arg21Cys). This variant is present in population databases (rs766733052, gnomAD 0.04%), including at least one homozygous and/or hemizygous individual. This missense change has been observed in individual(s) with microtia-atresia (PMID: 33193662). ClinVar contains an entry for this variant (Variation ID: 2180609). An algorithm developed to predict the effect of missense changes on protein structure and function (PolyPhen-2) suggests that this variant is likely to be tolerated. In summary, the available evidence is currently insufficient to determine the role of this variant in disease. Therefore, it has been classified as a Variant of Uncertain Significance.

Literature cited by the submitters: PubMed 33193662.

NM_152424.4(AMER1):c.61C>T (p.Arg21Cys)

Gene: AMER1 (APC membrane recruitment protein 1; minus strand). Cytogenetic location: Xq11.2.
Variant type: single nucleotide variant.
Coding change: c.61C>T on transcript NM_152424.4 (MANE Select); coding-DNA position 61, C replaced by T.
Protein change: p.Arg21Cys; replaces arginine 21 with cysteine.
Molecular consequence: missense variant.
Genome position (GRCh38, 1-based): chrX:64,193,226, G>A on the plus strand (C>T on the coding strand, the complement: AMER1 is on the minus strand). VCF-style: chrX-64193226-G-A. GRCh37 (hg19) VCF-style: chrX-63413106-G-A.
Other names: short protein forms R21C.
Identifiers: ClinVar variation 2180609 (VCV002180609.4), dbSNP rs766733052, ClinGen allele CA10432541.
Genomic context (GRCh38, chrX:64,193,226, plus strand): 5'-TTGGTCCTTCTGTCGCCTCAGCTGCCTTGTTCTTGGCTCCTTTTTCTGCTGTTTGTTCAC[G>A]GGTACTCCCAGAGGCTGCAGCTCCCTTGGCCTGAGCAGCTTCATCCTTTTGGGTCTCCAT-3'
Protein context (NP_689637.3, residues 11-31): AKGAAASGST[Arg21Cys]EQTAEKGAKN